The following is an entry in ClinVar:

NM_032108.4(SEMA6B):c.1855_1856del (p.Gly619fs)

Gene: SEMA6B (semaphorin 6B; minus strand). Cytogenetic location: 19p13.3.
Variant type: Deletion.
Coding change: c.1855_1856del on transcript NM_032108.4 (MANE Select); coding-DNA positions 1855 to 1856, 2 bases deleted (GG; older notation c.1855_1856delGG).
Protein change: p.Gly619fs; shifts the reading frame from glycine 619.
Molecular consequence: frameshift variant.
Genome position (GRCh38, 1-based): chr19:4,544,412-4,544,413, CC deleted on the plus strand (GG on the coding strand, the reverse complement: SEMA6B is on the minus strand); deleting any 2 consecutive bases within chr19:4,544,412-4,544,414 gives the same sequence; the c. name uses the placement nearest the transcript's 3' end. VCF-style (leftmost placement, unchanged base first): chr19-4544411-GCC-G. GRCh37 (hg19) VCF-style: chr19-4544423-GCC-G.
Other names: short protein forms G619fs.
Identifiers: ClinVar variation 3367926 (VCV003367926.2).

ClinVar aggregate classification (germline): Uncertain significance (1 of 4 stars; one submission).

Submission:

GeneDx
Classification: Uncertain significance. Last evaluated: 2026-01-14. Review status: criteria provided, single submitter. Criteria: GeneDx Variant Classification Process June 2021. Collection method: clinical testing. Allele origin: germline.
Comment: Frameshift variant predicted to result in abnormal protein length as the last 270 amino acid(s) are replaced with 6 different amino acid(s); Has not been previously published as pathogenic or benign to our knowledge; Not observed at significant frequency in large population cohorts (gnomAD)